The following is an entry in ClinVar:

NM_004409.5(DMPK):c.*224CTG[562]

Genes: DM1-AS (DM1 locus antisense RNA; plus strand), DMPK (DM1 protein kinase; minus strand), LOC107075317 (origin of replication in DMPK trinucleotide repeat region; plus strand), LOC109461477 (dystrophia myotonica protein kinase repeat instability region; plus strand). Cytogenetic location: 19q13.32.
Variant type: Microsatellite.
Coding change: c.*224CTG[562] on transcript NM_004409.5 (MANE Select); 562 copies in a row of the 3-base unit CTG starting at c.*224.
Molecular consequence: 3 prime UTR variant.
Genome position: GRCh38, VCF-style position (the base before the change): chr19:45,770,204. GRCh37 (hg19), VCF-style position (the base before the change): chr19:46,273,462.
Other names: DM1 CTG repeat expansion; c.*217CTG[562] (NM_001424166.1, NM_001081562.3, NM_001288765.2 and 2 more transcripts); c.*369CTG[562] (NM_001424168.1, NM_001288766.2, NM_001424164.1); c.*224CTG[562] (NM_001424169.1, NM_001424165.1, NM_001081560.3 and 1 more transcripts); c.*222_*224TGC[562] (NM_001081563.3).
Identifiers: ClinVar variation 188005 (VCV000188005.1), ClinGen allele CA915951829.

ClinVar aggregate classification (germline): Pathogenic (0 of 4 stars; one submission).

Conditions:
Steinert myotonic dystrophy syndrome (DM1). Also called: STEINERT DISEASE; Myotonic dystrophy type 1; Dystrophia myotonica type 1; Steinert myotonic dystrophy; Steinert's disease. Identifiers: Orphanet 273, MedGen C3250443, MONDO:0008056, OMIM 160900.

Submission:

Institute of Molecular, Cell and Systems Biology, University of Glasgow
Classification: Pathogenic for Steinert myotonic dystrophy syndrome. Review status: no assertion criteria provided. Criteria: research. Collection method: research. Allele origin: germline. Inheritance: Autosomal dominant inheritance. Affected: yes. Observed: 1 heterozygote.
Comment: DMPK CTG repeat expansions greater than approximately 45-50 repeats are assumed to be pathogenic

This record is based on data published in PubMed 25052313, which reports only ClinVar accessions SCV000120188 and SCV000120189. The complete data set includes SCV000207445 - SCV000207579.

Literature cited by the submitters: PubMed 1346923; PubMed 1546326; PubMed 25052313.